The following is an entry in ClinVar:

NM_017780.4(CHD7):c.4515dup (p.Gly1506fs)

Gene: CHD7 (chromodomain helicase DNA binding protein 7; plus strand). Cytogenetic location: 8q12.2.
Variant type: Duplication.
Coding change: c.4515dup on transcript NM_017780.4 (MANE Select); coding-DNA position 4515, one base duplicated (A; older notation c.4515dupA).
Protein change: p.Gly1506fs; shifts the reading frame from glycine 1506.
Molecular consequence: frameshift variant. On other transcripts: intron variant (1).
Genome position (GRCh38, 1-based): chr8:60,838,237, A duplicated; the last of 3 consecutive A bases (chr8:60,838,235-60,838,237); duplicating any one gives the same sequence. VCF-style (leftmost placement, unchanged base first): chr8-60838234-G-GA. GRCh37 (hg19) VCF-style: chr8-61750793-G-GA.
Other names: c.1717-23992dup (NM_001316690.1); c.4515dupA (NM_017780.4); short protein forms G1506fs.
Identifiers: ClinVar variation 2664835 (VCV002664835.1), dbSNP rs2487916384, ClinGen allele CA2573320798.

ClinVar aggregate classification (germline): Pathogenic (1 of 4 stars; one submission).

Conditions:
CHARGE syndrome (CHARGE). Also called: Hittner Hirsch Kreh syndrome; CHARGE ASSOCIATION--COLOBOMA, HEART ANOMALY, CHOANAL ATRESIA, RETARDATION, GENITAL AND EAR ANOMALIES; Coloboma, heart anomaly, choanal atresia, retardation, genital and ear anomalies; CHARGE association; Hall-Hittner syndrome. Identifiers: Orphanet 138, MedGen C0265354, MONDO:0008965.

Submission:

Genetics and Molecular Pathology, SA Pathology
Classification: Pathogenic for CHD7-related CHARGE syndrome. Last evaluated: 2022-10-10. Review status: criteria provided, single submitter. Criteria: ACMG Guidelines, 2015. Collection method: clinical testing. Allele origin: germline. Inheritance: Autosomal dominant inheritance. Affected: yes.
Comment: The CHD7 c.4515dup variant is classified as Pathogenic (PVS1, PS2, PM2) This CHD7 c.4515dup variant is located in exon 19/38 and is predicted to cause a shift in the reading frame at codon 1506, introducing a premature termination codon 6 amino acids downstream (PVS1). This gene is highly constraint for loss-of-function variants. This variant is absent from population databases (PM2). This variant has not been reported in dbSNP, ClinVar or HGMD. A similar truncating variant at adjacent amino acid position has been previously reported in a patient with similar phenotype (PMID:29304373).

Literature cited by the submitters: PubMed 29304373.